The following is an entry in ClinVar:

NM_004839.4(HOMER2):c.751G>A (p.Glu251Lys)

Gene: HOMER2 (homer scaffold protein 2; minus strand). Cytogenetic location: 15q25.2.
Variant type: single nucleotide variant.
Coding change: c.751G>A on transcript NM_004839.4 (MANE Select); coding-DNA position 751, G replaced by A.
Protein change: p.Glu251Lys; replaces glutamic acid 251 with lysine.
Molecular consequence: missense variant.
Genome position (GRCh38, 1-based): chr15:82,852,153, C>T on the plus strand (G>A on the coding strand, the complement: HOMER2 is on the minus strand). VCF-style: chr15-82852153-C-T. GRCh37 (hg19) VCF-style: chr15-83520905-C-T.
Other names: c.784G>A, p.Glu262Lys (NM_199330.3); short protein forms E251K, E262K.
Identifiers: ClinVar variation 4891374 (VCV004891374.1).

ClinVar aggregate classification (germline): Uncertain significance (1 of 4 stars; one submission).

Submission:

GeneDx
Classification: Uncertain significance. Last evaluated: 2023-07-03. Review status: criteria provided, single submitter. Criteria: GeneDx Variant Classification Process June 2021. Collection method: clinical testing. Allele origin: germline.
Comment: Not observed at significant frequency in large population cohorts (gnomAD); In silico analysis supports that this missense variant does not alter protein structure/function; Has not been previously published as pathogenic or benign to our knowledge; Variants in candidate genes are classified as variants of uncertain significance in accordance with ACMG guidelines (Richards et al., 2015)